The following is an entry in ClinVar:

ClinVar aggregate classification (germline): Uncertain significance (1 of 4 stars; one submission).

gnomAD v4.1: 5 of 1,612,894 alleles (0.00031%); highest among the groups gnomAD compares: East Asian, 0.0022%; no homozygotes.

Submission:

GeneDx
Classification: Uncertain significance. Last evaluated: 2024-05-28. Review status: criteria provided, single submitter. Criteria: GeneDx Variant Classification Process June 2021. Collection method: clinical testing. Allele origin: germline. Affected: yes.
Comment: Not observed at significant frequency in large population cohorts (gnomAD); In silico analysis indicates that this missense variant does not alter protein structure/function; Has not been previously published as pathogenic or benign to our knowledge

NM_016188.5(ACTL6B):c.611G>A (p.Arg204Gln)

Gene: ACTL6B (actin like 6B; minus strand). Cytogenetic location: 7q22.1.
Variant type: single nucleotide variant.
Coding change: c.611G>A on transcript NM_016188.5 (MANE Select); coding-DNA position 611, G replaced by A.
Protein change: p.Arg204Gln; replaces arginine 204 with glutamine.
Molecular consequence: missense variant. On other transcripts: non-coding transcript variant (1).
Genome position (GRCh38, 1-based): chr7:100,648,614, C>T on the plus strand (G>A on the coding strand, the complement: ACTL6B is on the minus strand). VCF-style: chr7-100648614-C-T. GRCh37 (hg19) VCF-style: chr7-100246237-C-T.
Other names: short protein forms R204Q.
Identifiers: ClinVar variation 3383553 (VCV003383553.1).